The following is an entry in ClinVar:

ClinVar aggregate classification (germline): Pathogenic/Likely pathogenic. Review status: criteria provided, multiple submitters, no conflicts (2 of 4 stars). 5 submissions from 5 submitters: Pathogenic (3); Likely pathogenic (2). Last evaluated 2026-02-04.

Conditions:
ETFA-related disorder. Also called: ETFA-related condition.
ETFA-related disorders.
Multiple acyl-CoA dehydrogenase deficiency (MADD). Also called: ETHYLMALONIC-ADIPICACIDURIA; GA II; Glutaric acidemia type II; GA 2; Glutaric aciduria, type 2; Glutaric Acidemia type 2. Identifiers: Orphanet 26791, MedGen C0268596, MONDO:0009282, OMIM 231680.

Submissions (5):

PreventionGenetics, part of Exact Sciences
Classification: Pathogenic for ETFA-related condition. Last evaluated: 2026-02-04. Review status: criteria provided, single submitter. Criteria: ACMG Guidelines, 2015. Collection method: clinical testing. Allele origin: germline.
Comment: The ETFA c.495_496delGT variant is predicted to result in a frameshift and premature protein termination (p.Ser167Cysfs*7). This variant has been reported in the homozygous state in an individual with multiple acyl-CoA dehydrogenase deficiency, also known as glutaric acidemia IIA (Michel et al. 2025. PubMed ID: 41100445). This variant is reported in 0.0026% of alleles in individuals of European (Non-Finnish) descent in gnomAD. Frameshift variants in ETFA are expected to be pathogenic. This variant is interpreted as pathogenic.

Blueprint Genetics
Classification: Likely pathogenic for ETFA-related disorders. Last evaluated: 2024-11-21. Review status: criteria provided, single submitter. Criteria: ACMG Guidelines, 2015. Collection method: clinical testing. Allele origin: germline. Affected: yes. Observed: 5 variant alleles.

Labcorp Genetics (formerly Invitae), Labcorp
Classification: Pathogenic for Multiple acyl-CoA dehydrogenase deficiency. Last evaluated: 2024-01-09. Review status: criteria provided, single submitter. Criteria: Invitae Variant Classification Sherloc (09022015). Collection method: clinical testing. Allele origin: germline.
Comment: This sequence change creates a premature translational stop signal (p.Ser167Cysfs*7) in the ETFA gene. It is expected to result in an absent or disrupted protein product. Loss-of-function variants in ETFA are known to be pathogenic (PMID: 16510302, 23785301). This variant is present in population databases (no rsID available, gnomAD 0.003%). This variant has not been reported in the literature in individuals affected with ETFA-related conditions. ClinVar contains an entry for this variant (Variation ID: 459956). For these reasons, this variant has been classified as Pathogenic.

Women's Health and Genetics/Laboratory Corporation of America, LabCorp
Classification: Pathogenic for Multiple acyl-CoA dehydrogenase deficiency. Last evaluated: 2023-12-01. Review status: criteria provided, single submitter. Criteria: LabCorp Variant Classification Summary - May 2015. Collection method: clinical testing. Allele origin: germline.
Comment: Variant summary: ETFA c.495_496delGT (p.Ser167CysfsX7) results in a premature termination codon, predicted to cause a truncation of the encoded protein or absence of the protein due to nonsense mediated decay, which are commonly known mechanisms for disease. The variant allele was found at a frequency of 1.2e-05 in 251322 control chromosomes. To our knowledge, no occurrence of c.495_496delGT in individuals affected with Glutaric Aciduria, Type 2a and no experimental evidence demonstrating its impact on protein function have been reported. Two submitters have cited clinical-significance assessments for this variant to ClinVar after 2014. All submitters classified the variant as pathogenic. Based on the evidence outlined above, the variant was classified as pathogenic.

Baylor Genetics
Classification: Likely pathogenic for Multiple acyl-CoA dehydrogenase deficiency. Last evaluated: 2023-09-24. Review status: criteria provided, single submitter. Criteria: ACMG Guidelines, 2015. Collection method: clinical testing. Allele origin: unknown.

Literature cited by the submitters: PubMed 16510302 (cited by Labcorp Genetics (formerly Invitae), Labcorp); PubMed 23785301 (cited by Labcorp Genetics (formerly Invitae), Labcorp).

NM_000126.4(ETFA):c.495_496del (p.Ser167fs)

Gene: ETFA (electron transfer flavoprotein subunit alpha; minus strand). Cytogenetic location: 15q24.2.
Variant type: Microsatellite.
Coding change: c.495_496del on transcript NM_000126.4 (MANE Select); coding-DNA positions 495 to 496, 2 bases deleted (GT; older notation c.495_496delGT).
Protein change: p.Ser167fs; shifts the reading frame from serine 167.
Molecular consequence: frameshift variant.
Genome position (GRCh38, 1-based): chr15:76,286,437-76,286,438, AC deleted on the plus strand (GT on the coding strand, the reverse complement: ETFA is on the minus strand); deleting any 2 consecutive bases within chr15:76,286,437-76,286,440 gives the same sequence; the c. name uses the placement nearest the transcript's 3' end. VCF-style (leftmost placement, unchanged base first): chr15-76286436-AAC-A. GRCh37 (hg19) VCF-style: chr15-76578777-AAC-A.
Other names: c.495_496delGT (NM_000126.4); c.348_349del, p.Ser118fs (NM_001127716.2); short protein forms S118fs, S167fs.
Identifiers: ClinVar variation 459956 (VCV000459956.13), dbSNP rs1298299792, ClinGen allele CA619182995.
Genomic context (GRCh38, chr15:76,286,436, plus strand): 5'-TCTGAACTGGCACTACCGCCACTTGTTGCTGCAGCATCAAAGGATGTTCCACGGACAGAA[AAC>A]ACTTTCACTTTCTCATCACACTTCACTGTACATAGAGCATTTCCTGAAACATACAATCTA-3'